The following is an entry in ClinVar:

NM_000814.6(GABRB3):c.32G>A (p.Gly11Asp)

Gene: GABRB3 (gamma-aminobutyric acid type A receptor subunit beta3; minus strand). Cytogenetic location: 15q12.
Variant type: single nucleotide variant.
Coding change: c.32G>A on transcript NM_000814.6 (MANE Select); coding-DNA position 32, G replaced by A.
Protein change: p.Gly11Asp; replaces glycine 11 with aspartic acid.
Molecular consequence: missense variant. On other transcripts: 5 prime UTR variant (1), intron variant (1).
Genome position (GRCh38, 1-based): chr15:26,772,931, C>T on the plus strand (G>A on the coding strand, the complement: GABRB3 is on the minus strand). VCF-style: chr15-26772931-C-T. GRCh37 (hg19) VCF-style: chr15-27018078-C-T.
Other names: c.-320G>A (NM_001278631.2); c.81-159G>A (NM_021912.5); short protein forms G11D.
Identifiers: ClinVar variation 3905882 (VCV003905882.10).

ClinVar aggregate classification (germline): Uncertain significance (1 of 4 stars; one submission).

Submission:

CeGaT Center for Human Genetics Tuebingen
Classification: Uncertain significance. Last evaluated: 2025-05-01. Review status: criteria provided, single submitter. Criteria: CeGaT Center For Human Genetics Tuebingen Variant Classification Criteria Version 2. Collection method: clinical testing. Allele origin: germline. Affected: yes. Observed: 1 variant allele.
Comment: GABRB3: PM2, PS2:Supporting